The following is an entry in ClinVar:

ClinVar aggregate classification (germline): Uncertain significance. Review status: criteria provided, multiple submitters, no conflicts (2 of 4 stars). 2 submissions from 2 submitters: Uncertain significance (2). Last evaluated 2024-03-08.

Conditions:
Cranioectodermal dysplasia 4 (CED4). Identifiers: Orphanet 1515, MedGen C3280616, MONDO:0013719, OMIM 614378.
Asphyxiating thoracic dystrophy 5 (SRTD5). Also called: SHORT-RIB THORACIC DYSPLASIA 5 WITH OR WITHOUT POLYDACTYLY; SHORT-RIB THORACIC DYSPLASIA 5 WITHOUT POLYDACTYLY. Identifiers: Orphanet 474, MedGen C3280598, MONDO:0013717, OMIM 614376.
Nephronophthisis 13 (NPHP13). Identifiers: Orphanet 655, MedGen C3280612, MONDO:0013718, OMIM 614377.
Spermatogenic failure 72 (SPGF72). Identifiers: MedGen C5676980, MONDO:0030809, OMIM 619867.
Senior-Loken syndrome 8 (SLSN8). Identifiers: Orphanet 3156, MedGen C4225376, MONDO:0014579, OMIM 616307.

Allele frequency attached by ClinVar (database versions not stated): ExAC 0.00001; TOPMed 0.00002.
gnomAD v4.1: 51 of 1,613,608 alleles (0.0032%); highest among the groups gnomAD compares: Non-Finnish European, 0.004%; no homozygotes.

Submissions (2):

Fulgent Genetics
Classification: Uncertain significance for Asphyxiating thoracic dystrophy 5; Nephronophthisis 13; Cranioectodermal dysplasia 4; Senior-Loken syndrome 8; Spermatogenic failure 72. Last evaluated: 2024-03-08. Review status: criteria provided, single submitter. Criteria: ACMG Guidelines, 2015. Collection method: clinical testing. Allele origin: germline.

Labcorp Genetics (formerly Invitae), Labcorp
Classification: Uncertain significance for Senior-Loken syndrome 8; Asphyxiating thoracic dystrophy 5. Last evaluated: 2022-09-06. Review status: criteria provided, single submitter. Criteria: Invitae Variant Classification Sherloc (09022015). Collection method: clinical testing. Allele origin: germline.
Comment: This sequence change replaces asparagine, which is neutral and polar, with serine, which is neutral and polar, at codon 943 of the WDR19 protein (p.Asn943Ser). This variant is present in population databases (rs778487491, gnomAD 0.006%). This variant has not been reported in the literature in individuals affected with WDR19-related conditions. ClinVar contains an entry for this variant (Variation ID: 940750). Algorithms developed to predict the effect of missense changes on protein structure and function output the following: SIFT: "Tolerated"; PolyPhen-2: "Benign"; Align-GVGD: "Class C0". The serine amino acid residue is found in multiple mammalian species, which suggests that this missense change does not adversely affect protein function. In summary, the available evidence is currently insufficient to determine the role of this variant in disease. Therefore, it has been classified as a Variant of Uncertain Significance.

NM_025132.4(WDR19):c.2828A>G (p.Asn943Ser)

Gene: WDR19 (WD repeat domain 19; plus strand). Cytogenetic location: 4p14.
Variant type: single nucleotide variant.
Coding change: c.2828A>G on transcript NM_025132.4 (MANE Select); coding-DNA position 2828, A replaced by G.
Protein change: p.Asn943Ser; replaces asparagine 943 with serine.
Molecular consequence: missense variant.
Genome position (GRCh38, 1-based): chr4:39,253,244, A>G. VCF-style: chr4-39253244-A-G. GRCh37 (hg19) VCF-style: chr4-39254864-A-G.
Other names: c.2348A>G, p.Asn783Ser (NM_001317924.2); short protein forms N783S, N943S.
Identifiers: ClinVar variation 940750 (VCV000940750.8), dbSNP rs778487491, ClinGen allele CA2892196.
Genomic context (GRCh38, chr4:39,253,244, plus strand): 5'-AGTGGCAAAGTGTAATCCGCATCTATCTGGATCACCTCAATAATCCTGAAAAAGCTGTCA[A>G]TATTGTTAGAGAGACCCAGTCTCTGGATGGAGCCAAAATGGTAGCCAGGTAACATAATAC-3'
Protein context (NP_079408.3, residues 933-953): DHLNNPEKAV[Asn943Ser]IVRETQSLDG